The following is an entry in ClinVar:

NM_001042492.3(NF1):c.2183T>A (p.Val728Glu)

Gene: NF1 (neurofibromin 1; plus strand). Cytogenetic location: 17q11.2.
Variant type: single nucleotide variant.
Coding change: c.2183T>A on transcript NM_001042492.3 (MANE Select); coding-DNA position 2183, T replaced by A.
Protein change: p.Val728Glu; replaces valine 728 with glutamic acid.
Molecular consequence: missense variant.
Genome position (GRCh38, 1-based): chr17:31,226,616, T>A. VCF-style: chr17-31226616-T-A. GRCh37 (hg19) VCF-style: chr17-29553634-T-A.
Other names: c.2183T>A, p.Val728Glu (NM_000267.4); short protein forms V728E.
Identifiers: ClinVar variation 3879105 (VCV003879105.1).

ClinVar aggregate classification (germline): Uncertain significance (1 of 4 stars; one submission).

Conditions:
Cardiovascular phenotype. Identifiers: MedGen CN230736.
Hereditary cancer-predisposing syndrome. Also called: Tumor predisposition; Neoplastic Syndromes, Hereditary; Hereditary Cancer Syndrome; Hereditary neoplastic syndrome. Identifiers: Orphanet 140162, MedGen C0027672, MeSH D009386, MONDO:0015356.

Submission:

Ambry Genetics
Classification: Uncertain significance for Cardiovascular phenotype; Hereditary cancer-predisposing syndrome. Last evaluated: 2025-02-13. Review status: criteria provided, single submitter. Criteria: Ambry Variant Classification Scheme 2023. Collection method: clinical testing. Allele origin: germline.
Comment: The p.V728E variant (also known as c.2183T>A), located in coding exon 18 of the NF1 gene, results from a T to A substitution at nucleotide position 2183. The valine at codon 728 is replaced by glutamic acid, an amino acid with dissimilar properties. This amino acid position is conserved. In addition, the in silico prediction for this alteration is inconclusive. Based on the available evidence, the clinical significance of this variant remains unclear.